The following is an entry in ClinVar:

NM_212552.3(BOLA3):c.146C>A (p.Ala49Asp)

Gene: BOLA3 (bolA family member 3; minus strand). Cytogenetic location: 2p13.1.
Variant type: single nucleotide variant.
Coding change: c.146C>A on transcript NM_212552.3 (MANE Select); coding-DNA position 146, C replaced by A.
Protein change: p.Ala49Asp; replaces alanine 49 with aspartic acid.
Molecular consequence: missense variant.
Genome position (GRCh38, 1-based): chr2:74,145,212, G>T on the plus strand (C>A on the coding strand, the complement: BOLA3 is on the minus strand). VCF-style: chr2-74145212-G-T. GRCh37 (hg19) VCF-style: chr2-74372339-G-T.
Other names: c.146C>A, p.Ala49Asp (NM_001035505.2); short protein forms A49D.
Identifiers: ClinVar variation 1991226 (VCV001991226.4), dbSNP rs764882891, ClinGen allele CA1719494.
Genomic context (GRCh38, chr2:74,145,212, plus strand): 5'-TATCCAAGCGCCGTAGGAAGAGTGAGAGAAACCTTACCTGAAATGTCAGTGACTTTTATA[G>T]CTGTAGCTCGTGGAAACTTTTCTTTGAGAATTTGGGTCACTCTGAGCTCCCCCTCAGTCT-3'
Protein context (NP_997717.2, residues 39-59): ILKEKFPRAT[Ala49Asp]IKVTDISGGC

ClinVar aggregate classification (germline): Uncertain significance (1 of 4 stars; one submission).

Allele frequency attached by ClinVar (database versions not stated): gnomAD exomes below 0.00001; ExAC 0.00002.
gnomAD v4.1: 4 of 1,599,900 alleles (0.00025%); highest among the groups gnomAD compares: Admixed American, 0.005%; no homozygotes.

Submission:

Labcorp Genetics (formerly Invitae), Labcorp
Classification: Uncertain significance. Last evaluated: 2022-08-06. Review status: criteria provided, single submitter. Criteria: Invitae Variant Classification Sherloc (09022015). Collection method: clinical testing. Allele origin: germline.
Comment: This sequence change replaces alanine, which is neutral and non-polar, with aspartic acid, which is acidic and polar, at codon 49 of the BOLA3 protein (p.Ala49Asp). This variant is present in population databases (rs764882891, gnomAD 0.009%). In summary, the available evidence is currently insufficient to determine the role of this variant in disease. Therefore, it has been classified as a Variant of Uncertain Significance. Algorithms developed to predict the effect of missense changes on protein structure and function (SIFT, PolyPhen-2, Align-GVGD) all suggest that this variant is likely to be tolerated. This variant has not been reported in the literature in individuals affected with BOLA3-related conditions.